The following is an entry in ClinVar:

NR_003051.3(RMRP):n.-13_-7dupAAGCTGA

Gene: RMRP (RNA component of mitochondrial RNA processing endoribonuclease; minus strand). Cytogenetic location: 9p13.3.
Variant type: Duplication.
Genome position: GRCh38 VCF-style: chr9-35658024-C-CTCAGCTT. GRCh37 (hg19) VCF-style: chr9-35658021-C-CTCAGCTT.
Identifiers: ClinVar variation 555980 (VCV000555980.9), dbSNP rs1554651462, ClinGen allele CA658821603.

ClinVar aggregate classification (germline): Pathogenic/Likely pathogenic. Review status: criteria provided, multiple submitters, no conflicts (2 of 4 stars). 3 submissions from 3 submitters: Pathogenic (1); Likely pathogenic (1). 1 of the submissions does not count toward it. Last evaluated 2026-02-01.

Conditions:
Anauxetic dysplasia. Identifiers: Orphanet 93347, MedGen C1846796, MONDO:0011773.
Metaphyseal chondrodysplasia, McKusick type (CHH). Also called: Cartilage-hair hypoplasia; Cartilage-Hair Hypoplasia (CHH). Identifiers: Orphanet 175, MedGen C0220748, MONDO:0009595, OMIM 250250.

Allele frequency attached by ClinVar (database versions not stated): gnomAD 0.00001.

Submissions (3):

Labcorp Genetics (formerly Invitae), Labcorp
Classification: Pathogenic for Anauxetic dysplasia. Last evaluated: 2026-02-01. Review status: criteria provided, single submitter. Criteria: Invitae Variant Classification Sherloc (09022015). Collection method: clinical testing. Allele origin: germline.
Comment: This variant occurs in the RMRP gene, which encodes an RNA molecule that does not result in a protein product. This variant is not present in population databases (gnomAD no frequency). While this particular variant has not been reported in the literature, it is located in the promoter region between the TATA box and the transcription initiation site, and other insertions and duplications immediately upstream of the coding sequence have been reported in individuals affected with cartilage-hair hypoplasia-anauxetic dysplasia (CHH-AD) spectrum disorders (PMID: 16244706, 11207361, 12107819). While functional studies for this variant have not been reported, experimental analyses using patient derived cells, as well as in vitro transfection studies, have shown that promoter insertions result in silencing of RMRP transcription and reduced expression of the gene product (PMID: 11207361, 16254002). For these reasons, this variant has been classified as Pathogenic.

Natera, Inc.
Classification: Likely pathogenic for Cartilage-hair hypoplasia. Last evaluated: 2025-11-27. Review status: criteria provided, single submitter. Criteria: Natera Variant Classification Schema (03/2026). Collection method: clinical testing. Allele origin: germline.
Comment: The n.-13_-7dupAAGCTGA variant in RMRP is a duplication affecting the RMRP promoter region between the TATA box and the transcription initiation site. Other duplications and insertions just upstream of the transcription initiation site have been reported in individuals affected with cartilage-hair hypoplasia (PMID: 11207361, 17937437). This variant is rare in the general population with a frequency below the threshold expected for the associated phenotype(s). Given the available evidence, this variant is classified as Likely pathogenic.

Counsyl
Classification: Likely pathogenic for Metaphyseal chondrodysplasia, McKusick type. Last evaluated: 2018-01-05. Review status: no assertion criteria provided. Collection method: clinical testing. Allele origin: unknown. Not counted in ClinVar's aggregate classification.

Literature cited by the submitters: PubMed 16244706 (cited by Labcorp Genetics (formerly Invitae), Labcorp); PubMed 11207361 (cited by Labcorp Genetics (formerly Invitae), Labcorp and Natera, Inc.); PubMed 12107819 (cited by Labcorp Genetics (formerly Invitae), Labcorp); PubMed 16254002 (cited by Labcorp Genetics (formerly Invitae), Labcorp); PubMed 17937437 (cited by Natera, Inc.).